The following is an entry in ClinVar:

ClinVar aggregate classification (germline): Likely pathogenic (1 of 4 stars; one submission).

Conditions:
Retinitis pigmentosa (RP). Identifiers: Orphanet 791, MedGen C0035334, MeSH D012174, MONDO:0019200, OMIM 268000. Inheritance: Autosomal dominant, autosomal recessive and X linked inheritance.

Submission:

Ophthalmic Genetics Group, Institute of Molecular and Clinical Ophthalmology Basel
Classification: Likely pathogenic for Retinitis pigmentosa. Last evaluated: 2023-07-24. Review status: criteria provided, single submitter. Criteria: ACMG Guidelines, 2015. Collection method: research. Allele origin: germline. Affected: yes. Observed: 1 variant allele.
Comment: Clinical significance based on ACMG v2.0

This variant was classified as Likely pathogenic based on ACMG criteria: PVS1, PM2.

Literature cited by the submitters: PubMed 36909829.

NM_003322.6(TULP1):c.415dup (p.Ile139fs)

Gene: TULP1 (TUB like protein 1; minus strand). Cytogenetic location: 6p21.31.
Variant type: Duplication.
Coding change: c.415dup on transcript NM_003322.6 (MANE Select); coding-DNA position 415, one base duplicated (A; older notation c.415dupA).
Protein change: p.Ile139fs; shifts the reading frame from isoleucine 139.
Molecular consequence: frameshift variant.
Genome position (GRCh38, 1-based): chr6:35,510,945, T duplicated on the plus strand (A on the coding strand, the reverse complement: TULP1 is on the minus strand); the first of 4 consecutive T bases (chr6:35,510,945-35,510,948); duplicating any one gives the same sequence. VCF-style (leftmost placement, unchanged base first): chr6-35510944-A-AT. GRCh37 (hg19) VCF-style: chr6-35478721-A-AT.
Other names: NC_000006.11:g.35478722dup; NP_003313.3:p.(Ile139AsnfsTer35); c.256dup, p.Ile86fs (NM_001289395.2); short protein forms I139fs, I86fs.
Identifiers: ClinVar variation 2577499 (VCV002577499.2), dbSNP rs2533807303, ClinGen allele CA645563445.